The following is an entry in ClinVar:

NM_001110556.2(FLNA):c.4970-18C>A

Gene: FLNA (filamin A; minus strand). Cytogenetic location: Xq28.
Variant type: single nucleotide variant.
Coding change: c.4970-18C>A on transcript NM_001110556.2 (MANE Select); 18 bases into the intron before coding-DNA position 4970, C replaced by A.
Molecular consequence: intron variant.
Genome position (GRCh38, 1-based): chrX:154,355,090, G>T on the plus strand (C>A on the coding strand, the complement: FLNA is on the minus strand). VCF-style: chrX-154355090-G-T. GRCh37 (hg19) VCF-style: chrX-153583458-G-T.
Other names: c.4970-18C>A (NM_001110556.1); c.4946-18C>A (NM_001456.4).
Identifiers: ClinVar variation 1561941 (VCV001561941.10), dbSNP rs200639431, ClinGen allele CA10560407.

ClinVar aggregate classification (germline): Likely benign. Review status: criteria provided, multiple submitters, no conflicts (2 of 4 stars). 4 submissions from 4 submitters: Likely benign (3). 1 of the submissions does not count toward it. Last evaluated 2025-12-18.

Conditions:
FLNA-related disorder.
Frontometaphyseal dysplasia (FMD1). Identifiers: Orphanet 1826, MedGen C0265293, MONDO:0015942.
Heterotopia, periventricular, X-linked dominant (PVNH1). Also called: PERIVENTRICULAR NODULAR HETEROTOPIA 1; X-linked periventricular heterotopia; PERIVENTRICULAR NODULAR HETEROTOPIA 4; HETEROTOPIA, PERIVENTRICULAR, 1. Identifiers: Orphanet 2149, Orphanet 82004, MedGen C1848213, MONDO:0010233, OMIM 300049.
Melnick-Needles syndrome (MNS). Also called: OSTEODYSPLASTY OF MELNICK AND NEEDLES; Melnick-Needles Syndrome (FLNA-MNS); MELNICK-NEEDLES OSTEODYSPLASTY. Identifiers: Orphanet 2484, MedGen C0025237, MONDO:0010650, OMIM 309350.
Oto-palato-digital syndrome, type II (OPD2). Also called: OPD II SYNDROME; Otopalatodigital Syndrome Type 2 (FLNA-OPD2); FACIOPALATOOSSEOUS SYNDROME; Otopalatodigital Syndrome, Type II. Identifiers: Orphanet 669, Orphanet 90652, MedGen C1844696, MONDO:0010571, OMIM 304120.

Allele frequency attached by ClinVar (database versions not stated): gnomAD exomes 0.00002; ExAC 0.00005; ESP Exome Variant Server 0.00010; gnomAD 0.00023 and 0.00026; TOPMed 0.00059; 1000 Genomes Project 30x 0.00083; 1000 Genomes Project 0.00106.

Submissions (4):

Labcorp Genetics (formerly Invitae), Labcorp
Classification: Likely benign for Oto-palato-digital syndrome, type II; Heterotopia, periventricular, X-linked dominant; Frontometaphyseal dysplasia; Melnick-Needles syndrome. Last evaluated: 2025-12-18. Review status: criteria provided, single submitter. Criteria: Invitae Variant Classification Sherloc (09022015). Collection method: clinical testing. Allele origin: germline.

Women's Health and Genetics/Laboratory Corporation of America, LabCorp
Classification: Likely benign. Last evaluated: 2023-08-24. Review status: criteria provided, single submitter. Criteria: LabCorp Variant Classification Summary - May 2015. Collection method: clinical testing. Allele origin: germline.

Blueprint Genetics
Classification: Likely benign. Last evaluated: 2023-05-02. Review status: criteria provided, single submitter. Criteria: ACMG Guidelines, 2015. Collection method: clinical testing. Allele origin: germline.

PreventionGenetics, part of Exact Sciences
Classification: Likely benign for FLNA-related condition. Last evaluated: 2024-08-29. Review status: no assertion criteria provided. Collection method: clinical testing. Allele origin: germline. Not counted in ClinVar's aggregate classification.
Comment: This variant is classified as likely benign based on ACMG/AMP sequence variant interpretation guidelines (Richards et al. 2015 PMID: 25741868, with internal and published modifications).